The following is an entry in ClinVar:

ClinVar aggregate classification (germline): Likely benign (1 of 4 stars; one submission).

Allele frequency attached by ClinVar (database versions not stated): gnomAD exomes 0.00174 and 0.00253; ESP Exome Variant Server 0.00215; 1000 Genomes Project 30x 0.00250; ExAC 0.00250; gnomAD 0.00255 and 0.00265; 1000 Genomes Project 0.00260; TOPMed 0.00371.

Submission:

CeGaT Center for Human Genetics Tuebingen
Classification: Likely benign. Last evaluated: 2026-02-01. Review status: criteria provided, single submitter. Criteria: CeGaT Center For Human Genetics Tuebingen Variant Classification Criteria Version 2. Collection method: clinical testing. Allele origin: germline. Affected: yes. Observed: 1 variant allele.
Comment: MFN1: BS2

NM_033540.3(MFN1):c.677G>A (p.Arg226Gln)

Gene: MFN1 (mitofusin 1; plus strand). Cytogenetic location: 3q26.33.
Variant type: single nucleotide variant.
Coding change: c.677G>A on transcript NM_033540.3 (MANE Select); coding-DNA position 677, G replaced by A.
Protein change: p.Arg226Gln; replaces arginine 226 with glutamine.
Molecular consequence: missense variant.
Genome position (GRCh38, 1-based): chr3:179,365,149, G>A. VCF-style: chr3-179365149-G-A. GRCh37 (hg19) VCF-style: chr3-179082937-G-A.
Other names: short protein forms R226Q.
Identifiers: ClinVar variation 684528 (VCV000684528.6), dbSNP rs143476739, ClinGen allele CA2711850.